The following is an entry in ClinVar:

ClinVar aggregate classification (germline): Likely benign (1 of 4 stars; one submission).

Conditions:
Breast-ovarian cancer, familial, susceptibility to, 1 (BROVCA1). Also called: OVARIAN CANCER, SUSCEPTIBILITY TO; BRCA1 Hereditary Breast and Ovarian Cancer. Identifiers: Orphanet 145, MedGen C2676676, MONDO:0011450, OMIM 604370. Disease mechanism: loss of function.

gnomAD v4.1: 1 of 1,613,780 alleles (0.000062%); highest among the groups gnomAD compares: Non-Finnish European, 0.000085%; no homozygotes.

Submission:

Cancer Bioinformatics and Tumour Evolution Laboratory, Monash University
Classification: Likely benign for Breast-ovarian cancer, familial, susceptibility to, 1. Last evaluated: 2026-05-01. Review status: criteria provided, single submitter. Criteria: ClinGen BRCA1 and BRCA2 Guidelines, 2024. Collection method: curation. Allele origin: germline. Inheritance: Autosomal dominant inheritance.
Comment: Missense variant outside of a functional domain with no splice impact. BRCA1 and BRCA2 VCEP guidelines recommend application of BP1_Strong (PMID: 39142283)

NM_007294.4(BRCA1):c.703A>T (p.Asn235Tyr)

Gene: BRCA1 (BRCA1 DNA repair associated; minus strand). Cytogenetic location: 17q21.31.
Variant type: single nucleotide variant.
Coding change: c.703A>T on transcript NM_007294.4 (MANE Select); coding-DNA position 703, A replaced by T.
Protein change: p.Asn235Tyr; replaces asparagine 235 with tyrosine.
Molecular consequence: missense variant. On other transcripts: intron variant (13), 5 prime UTR variant (2).
Genome position (GRCh38, 1-based): chr17:43,094,828, T>A on the plus strand (A>T on the coding strand, the complement: BRCA1 is on the minus strand). VCF-style: chr17-43094828-T-A. GRCh37 (hg19) VCF-style: chr17-41246845-T-A.
Other names: c.625A>T, p.Asn209Tyr (NM_001408411.1, NM_001408412.1, NM_001408414.1 and 9 more transcripts); c.622A>T, p.Asn208Tyr (NM_001408413.1, NM_001408416.1, NM_001407659.1 and 3 more transcripts); c.580A>T, p.Asn194Tyr (NM_001408425.1, NM_001408426.1, NM_001408427.1 and 34 more transcripts); c.439A>T, p.Asn147Tyr (NM_001407921.1, NM_001407922.1, NM_001407923.1 and 15 more transcripts); c.436A>T, p.Asn146Tyr (NM_001407930.1, NM_001407931.1, NM_001407932.1 and 5 more transcripts); c.562A>T, p.Asn188Tyr (NM_007297.4, NM_001408459.1, NM_001408460.1 and 43 more transcripts); c.703A>T, p.Asn235Tyr (NM_007298.4, NM_007299.4, NM_007300.4 and 53 more transcripts); c.370A>T, p.Asn124Tyr (NM_001407948.1, NM_001407949.1, NM_001407950.1 and 7 more transcripts); and 20 more; short protein forms N107Y, N108Y, N123Y, N124Y, N146Y, N147Y, N164Y, N165Y.
Identifiers: ClinVar variation 4856556 (VCV004856556.1).